The following is an entry in ClinVar:

NM_031935.3(HMCN1):c.5061T>G (p.Asn1687Lys)

Gene: HMCN1 (hemicentin 1; plus strand). Cytogenetic location: 1q31.1.
Variant type: single nucleotide variant.
Coding change: c.5061T>G on transcript NM_031935.3 (MANE Select); coding-DNA position 5061, T replaced by G.
Protein change: p.Asn1687Lys; replaces asparagine 1687 with lysine.
Molecular consequence: missense variant.
Genome position (GRCh38, 1-based): chr1:186,016,109, T>G. VCF-style: chr1-186016109-T-G. GRCh37 (hg19) VCF-style: chr1-185985241-T-G.
Other names: short protein forms N1687K.
Identifiers: ClinVar variation 3007012 (VCV003007012.3), dbSNP rs1377020991, ClinGen allele CA343888213.

ClinVar aggregate classification (germline): Uncertain significance (1 of 4 stars; one submission).

Allele frequency attached by ClinVar (database versions not stated): gnomAD 0.00001; TOPMed 0.00001.
gnomAD v4.1: 7 of 1,613,348 alleles (0.00043%); highest among the groups gnomAD compares: Non-Finnish European, 0.00059%; no homozygotes.

Submission:

Labcorp Genetics (formerly Invitae), Labcorp
Classification: Uncertain significance. Last evaluated: 2023-11-18. Review status: criteria provided, single submitter. Criteria: Invitae Variant Classification Sherloc (09022015). Collection method: clinical testing. Allele origin: germline.
Comment: This sequence change replaces asparagine, which is neutral and polar, with lysine, which is basic and polar, at codon 1687 of the HMCN1 protein (p.Asn1687Lys). This variant is present in population databases (no rsID available, gnomAD 0.002%). This variant has not been reported in the literature in individuals affected with HMCN1-related conditions. An algorithm developed to predict the effect of missense changes on protein structure and function (PolyPhen-2) suggests that this variant is likely to be disruptive. In summary, the available evidence is currently insufficient to determine the role of this variant in disease. Therefore, it has been classified as a Variant of Uncertain Significance.